The following is an entry in ClinVar:

ClinVar aggregate classification (germline): Uncertain significance (1 of 4 stars; one submission).

Allele frequency attached by ClinVar (database versions not stated): gnomAD exomes below 0.00001 and 0.00002; ExAC 0.00002; gnomAD 0.00004 and 0.00005; TOPMed 0.00009; ESP Exome Variant Server 0.00015.
gnomAD v4.1: 13 of 1,613,756 alleles (0.00081%); highest among the groups gnomAD compares: African/African-American, 0.013%; no homozygotes.

Submission:

Labcorp Genetics (formerly Invitae), Labcorp
Classification: Uncertain significance. Last evaluated: 2022-06-27. Review status: criteria provided, single submitter. Criteria: Invitae Variant Classification Sherloc (09022015). Collection method: clinical testing. Allele origin: germline.
Comment: This sequence change replaces leucine, which is neutral and non-polar, with arginine, which is basic and polar, at codon 1082 of the CEP135 protein (p.Leu1082Arg). This variant is present in population databases (rs369311006, gnomAD 0.03%). This variant has not been reported in the literature in individuals affected with CEP135-related conditions. Algorithms developed to predict the effect of missense changes on protein structure and function are either unavailable or do not agree on the potential impact of this missense change (SIFT: "Tolerated"; PolyPhen-2: "Probably Damaging"; Align-GVGD: "Class C0"). In summary, the available evidence is currently insufficient to determine the role of this variant in disease. Therefore, it has been classified as a Variant of Uncertain Significance.

NM_025009.5(CEP135):c.3245T>G (p.Leu1082Arg)

Gene: CEP135 (centrosomal protein 135; plus strand). Cytogenetic location: 4q12.
Variant type: single nucleotide variant.
Coding change: c.3245T>G on transcript NM_025009.5 (MANE Select); coding-DNA position 3245, T replaced by G.
Protein change: p.Leu1082Arg; replaces leucine 1082 with arginine.
Molecular consequence: missense variant.
Genome position (GRCh38, 1-based): chr4:56,020,705, T>G. VCF-style: chr4-56020705-T-G. GRCh37 (hg19) VCF-style: chr4-56886871-T-G.
Other names: short protein forms L1082R.
Identifiers: ClinVar variation 1495522 (VCV001495522.5), dbSNP rs369311006, ClinGen allele CA2928376.